The following is an entry in ClinVar:

NM_001033855.3(DCLRE1C):c.2T>C (p.Met1Thr)

Gene: DCLRE1C (DNA cross-link repair 1C; minus strand). Cytogenetic location: 10p13.
Variant type: single nucleotide variant.
Coding change: c.2T>C on transcript NM_001033855.3 (MANE Select); coding-DNA position 2, T replaced by C.
Protein change: p.Met1Thr; changes the start codon (methionine 1).
Molecular consequence: missense variant, initiator codon variant. On other transcripts: 5 prime UTR variant (9), non-coding transcript variant (4).
Genome position (GRCh38, 1-based): chr10:14,954,009, A>G on the plus strand (T>C on the coding strand, the complement: DCLRE1C is on the minus strand). VCF-style: chr10-14954009-A-G. GRCh37 (hg19) VCF-style: chr10-14996008-A-G.
Other names: NM_001033855.3(DCLRE1C):c.2T>C; p.Met1Thr; c.-444T>C (NM_001033857.3, NM_001350967.2); c.-766T>C (NM_001033858.3); c.-203T>C (NM_001289076.2); c.-490T>C (NM_001289077.2); c.-236T>C (NM_001289078.2, NM_001350966.2); c.-812T>C (NM_001289079.2); and 2 more; short protein forms M1T.
Identifiers: ClinVar variation 4677 (VCV000004677.3), dbSNP rs121908158, ClinGen allele CA117009.
Genomic context (GRCh38, chr10:14,954,009, plus strand): 5'-CTATCGAAGCGGTCTATGGAGATAGTTGGATACTCGGCCATCTGCCCCTCGAAAGAACTC[A>G]TAGCGCCGCCGATCCCAGAGTCCGGGACCCCAAAACCGCAGCTGAAGCCAAGGCCAGCCC-3'
Protein context (NP_001029027.1, residues 1-11): [Met1Thr]SSFEGQMAEY

ClinVar aggregate classification (germline): Uncertain significance. Review status: reviewed by expert panel (3 of 4 stars). 2 submissions from 2 submitters: Uncertain significance (1). 1 of the submissions does not count toward it. Last evaluated 2024-01-23.

Conditions:
Histiocytic medullary reticulosis. Also called: Omenn syndrome; SEVERE COMBINED IMMUNODEFICIENCY WITH HYPEREOSINOPHILIA. Identifiers: Orphanet 39041, MedGen C2700553, MONDO:0011338, OMIM 603554.
Severe combined immunodeficiency due to DCLRE1C deficiency (RS-SCID). Also called: SCID, AUTOSOMAL RECESSIVE, T CELL-NEGATIVE, B CELL-NEGATIVE, NK CELL-POSITIVE, WITH SENSITIVITY TO IONIZING RADIATION. Identifiers: Orphanet 275, MedGen C1865371, MONDO:0011225, OMIM 602450.

Allele frequency attached by ClinVar (database versions not stated): gnomAD 0.00001.

Submissions (2):

ClinGen Severe Combined Immunodeficiency Variant Curation Expert Panel, ClinGen
Classification: Uncertain significance for Severe combined immunodeficiency due to DCLRE1C deficiency. Last evaluated: 2024-01-23. Review status: reviewed by expert panel. Criteria: ClinGen SCID ACMG Specifications DCLRE1C V1.0.0. Collection method: curation. Allele origin: germline. Inheritance: Autosomal recessive inheritance.
Comment: The c.2T>C (p.Met1Thr) (NM_001033855.3) is a missense variant predicted to cause the substitution of Methionine by Threonine at amino acid 1 (p.Met1Thr). The next possible initiation codon is at codon 8. This region does not contain known pathogenic/likely pathogenic variants, PVS1_Supporting. The highest population minor allele frequency in gnomAD v4 is 0.00001470 (1/68040 alleles) in European (non-Finnish) population, which is lower than the ClinGen SCID VCEP threshold (<0.00003266) for PM2_Supporting, meeting this criterion (PM2_Supporting). At least one patient was observed in the literature (PMID: 15731174) presenting: * Diagnostic criteria for Omenn syndrome (0.5pt) + * Increased cellular radiosensitivity (0.5pt) = total 1 point, PP4_Supporting. The variant has been reported to segregate with OS in - at least - 02 affected family members (proband + one brother) from one family (PP1_Supporting). The patient also had another affected brother without genomic information (PMID: 15731174). This patient is compound heterozygous with c.103C>G (H35D). Phase is confirmed; Pathogenic according to the SCID VCEP specifications; Not counted here to avoid circularity. Two functional assays were found: PMID: 15731174 shows that the ARTEMIS variant (M1T) resulted in a V(D)J recombination efficiency of 2.1% to 2.7%. This corresponds to a recombination efficiency of between 37% and 48% when compared with the assay with WT-ARTEMIS (Which is higher than our threshold, 25%. In the second reference, the activity levels (in % of WT activity) are Recombination (Mean, SD): 80.41, 4.77 and DNA repair (Mean, SD): 76.04, 6.43. Both exceed the established threshold for PS3 (<25% of wild-type activity). With this, PS3 is not applied at any level of evidence. In summary, this variant meets the criteria to be classified as a variant of uncertain significance for autosomal recessive severe combined immunodeficiency due to DCLRE1C deficiency based on the ACMG/AMP criteria applied, as specified by the ClinGen SCID VCEP: (specification version 1.0): PVS1_Supporting, PM2_Supporting, PP1_Supporting, and PP4_Supporting.

OMIM
Classification: Pathogenic for OMENN SYNDROME. Last evaluated: 2005-06-01. Review status: no assertion criteria provided. Collection method: literature only. Allele origin: germline. Not counted in ClinVar's aggregate classification.

Literature cited by the submitters: PubMed 15731174 (cited by OMIM).